The following is an entry in ClinVar:

ClinVar aggregate classification (germline): Uncertain significance (1 of 4 stars; one submission).

Submission:

Labcorp Genetics (formerly Invitae), Labcorp
Classification: Uncertain significance. Last evaluated: 2024-12-18. Review status: criteria provided, single submitter. Criteria: Invitae Variant Classification Sherloc (09022015). Collection method: clinical testing. Allele origin: germline.
Comment: This sequence change replaces glutamic acid, which is acidic and polar, with aspartic acid, which is acidic and polar, at codon 105 of the PDE6B protein (p.Glu105Asp). This variant is not present in population databases (gnomAD no frequency). This variant has not been reported in the literature in individuals affected with PDE6B-related conditions. Invitae Evidence Modeling of protein sequence and biophysical properties (such as structural, functional, and spatial information, amino acid conservation, physicochemical variation, residue mobility, and thermodynamic stability) indicates that this missense variant is expected to disrupt PDE6B protein function with a positive predictive value of 95%. In summary, the available evidence is currently insufficient to determine the role of this variant in disease. Therefore, it has been classified as a Variant of Uncertain Significance.

NM_000283.4(PDE6B):c.315G>C (p.Glu105Asp)

Gene: PDE6B (phosphodiesterase 6B; plus strand). Cytogenetic location: 4p16.3.
Variant type: single nucleotide variant.
Coding change: c.315G>C on transcript NM_000283.4 (MANE Select); coding-DNA position 315, G replaced by C.
Protein change: p.Glu105Asp; replaces glutamic acid 105 with aspartic acid.
Molecular consequence: missense variant.
Genome position (GRCh38, 1-based): chr4:625,941, G>C. VCF-style: chr4-625941-G-C. GRCh37 (hg19) VCF-style: chr4-619730-G-C.
Other names: c.315G>C, p.Glu105Asp (NM_001145291.2); short protein forms E105D.
Identifiers: ClinVar variation 3683087 (VCV003683087.2).